The following is an entry in ClinVar:

ClinVar aggregate classification (germline): Uncertain significance. Review status: criteria provided, multiple submitters, no conflicts (2 of 4 stars). 4 submissions from 4 submitters: Uncertain significance (4). Last evaluated 2025-03-29.

Conditions:
Hereditary cancer-predisposing syndrome. Also called: Hereditary neoplastic syndrome; Hereditary Cancer Syndrome; Neoplastic Syndromes, Hereditary; Tumor predisposition. Identifiers: Orphanet 140162, MedGen C0027672, MeSH D009386, MONDO:0015356.
Familial cancer of breast. Also called: Hereditary breast cancer; BREAST CANCER, FAMILIAL; hereditary breast carcinoma. Identifiers: Orphanet 227535, MedGen C0346153, MONDO:0016419, OMIM 114480. Disease mechanism: loss of function.

Allele frequency attached by ClinVar (database versions not stated): gnomAD exomes below 0.00001.
gnomAD v4.1: 1 of 1,614,012 alleles (0.000062%); highest among the groups gnomAD compares: Admixed American, 0.0017%; no homozygotes.

Submissions (4):

Labcorp Genetics (formerly Invitae), Labcorp
Classification: Uncertain significance for Familial cancer of breast. Last evaluated: 2025-03-29. Review status: criteria provided, single submitter. Criteria: Invitae Variant Classification Sherloc (09022015). Collection method: clinical testing. Allele origin: germline.
Comment: This sequence change replaces phenylalanine, which is neutral and non-polar, with serine, which is neutral and polar, at codon 103 of the CHEK2 protein (p.Phe103Ser). This variant is not present in population databases (gnomAD no frequency). This variant has not been reported in the literature in individuals affected with CHEK2-related conditions. ClinVar contains an entry for this variant (Variation ID: 229683). An algorithm developed to predict the effect of missense changes on protein structure and function (PolyPhen-2) suggests that this variant is likely to be disruptive. In summary, the available evidence is currently insufficient to determine the role of this variant in disease. Therefore, it has been classified as a Variant of Uncertain Significance.

Ambry Genetics
Classification: Uncertain significance for Hereditary cancer-predisposing syndrome. Last evaluated: 2024-10-07. Review status: criteria provided, single submitter. Criteria: Ambry Variant Classification Scheme 2023. Collection method: clinical testing. Allele origin: germline.
Comment: The p.F103S variant (also known as c.308T>C), located in coding exon 1 of the CHEK2 gene, results from a T to C substitution at nucleotide position 308. The phenylalanine at codon 103 is replaced by serine, an amino acid with highly dissimilar properties. This amino acid position is highly conserved in available vertebrate species. In addition, this alteration is predicted to be deleterious by in silico analysis. Since supporting evidence is limited at this time, the clinical significance of this alteration remains unclear.

Color Diagnostics, LLC DBA Color Health
Classification: Uncertain significance for Hereditary cancer-predisposing syndrome. Last evaluated: 2019-01-17. Review status: criteria provided, single submitter. Criteria: ACMG Guidelines, 2015. Collection method: clinical testing. Allele origin: germline.

Mendelics
Classification: Uncertain significance for Familial cancer of breast. Last evaluated: 2018-07-02. Review status: criteria provided, single submitter. Criteria: Mendelics Assertion Criteria 2017. Collection method: clinical testing. Allele origin: unknown.

NM_007194.4(CHEK2):c.308T>C (p.Phe103Ser)

Gene: CHEK2 (checkpoint kinase 2; minus strand). Cytogenetic location: 22q12.1.
Variant type: single nucleotide variant.
Coding change: c.308T>C on transcript NM_007194.4 (MANE Select); coding-DNA position 308, T replaced by C.
Protein change: p.Phe103Ser; replaces phenylalanine 103 with serine.
Molecular consequence: missense variant.
Genome position (GRCh38, 1-based): chr22:28,734,414, A>G on the plus strand (T>C on the coding strand, the complement: CHEK2 is on the minus strand). VCF-style: chr22-28734414-A-G. GRCh37 (hg19) VCF-style: chr22-29130402-A-G.
Other names: c.308T>C, p.Phe103Ser (NM_001005735.3, NM_001349956.3, NM_145862.3); c.-470T>C (NM_001257387.3); short protein forms F103S.
Identifiers: ClinVar variation 229683 (VCV000229683.21), dbSNP rs876658140, ClinGen allele CA10581104.